The following is an entry in ClinVar:

ClinVar aggregate classification (germline): Likely pathogenic (1 of 4 stars; one submission).

Conditions:
Amyotrophic lateral sclerosis type 2, juvenile. Also called: ALS, JUVENILE; Amyotrophic lateral sclerosis type 2. Identifiers: Orphanet 300605, MedGen C1859807, MONDO:0008780, OMIM 205100.

Submission:

3billion
Classification: Likely pathogenic for Amyotrophic lateral sclerosis type 2, juvenile. Last evaluated: 2023-02-23. Review status: criteria provided, single submitter. Criteria: ACMG Guidelines, 2015. Collection method: clinical testing. Allele origin: unknown. Affected: yes.
Comment: The variant is not observed in the gnomAD v2.1.1 dataset. This variant was predicted to result in a loss or disruption of normal protein function through nonsense-mediated decay (NMD) or protein truncation. Multiple pathogenic variants are reported downstream of the variant. Therefore, this variant is classified as Likely pathogenic according to the recommendation of ACMG/AMP guideline.

NM_020919.4(ALS2):c.2168dup (p.Leu723fs)

Gene: ALS2 (alsin Rho guanine nucleotide exchange factor ALS2; minus strand). Cytogenetic location: 2q33.1.
Variant type: Duplication.
Coding change: c.2168dup on transcript NM_020919.4 (MANE Select); coding-DNA position 2168, one base duplicated (T; older notation c.2168dupT).
Protein change: p.Leu723fs; shifts the reading frame from leucine 723.
Molecular consequence: frameshift variant.
Genome position (GRCh38, 1-based): chr2:201,744,260, A duplicated on the plus strand (T on the coding strand, the reverse complement: ALS2 is on the minus strand); the first of 3 consecutive A bases (chr2:201,744,260-201,744,262); duplicating any one gives the same sequence. VCF-style (leftmost placement, unchanged base first): chr2-201744259-T-TA. GRCh37 (hg19) VCF-style: chr2-202608982-T-TA.
Other names: c.2166dup, p.Leu723Phefs (NM_001410975.1); short protein forms L723fs.
Identifiers: ClinVar variation 2444376 (VCV002444376.1), dbSNP rs2469852909, ClinGen allele CA2580065434.
Genomic context (GRCh38, chr2:201,744,259, plus strand): 5'-AGGAAGAAGAGATAAAGACCTGATGGTTTAATGGTGGGAGAGAGGGGGTTGCAACTTACC[T>TA]AAACTGAGAAGAGGCCTGAGAATCTGAGATTTGATATCACTTAGTTTTGAATAGAATCGT-3'